The following is an entry in ClinVar:

ClinVar aggregate classification (germline): Uncertain significance. Review status: criteria provided, multiple submitters, no conflicts (2 of 4 stars). 2 submissions from 2 submitters: Uncertain significance (2). Last evaluated 2026-02-03.

Conditions:
DICER1-related tumor predisposition. Also called: DICER1 syndrome; DICER1-related pleuropulmonary blastoma cancer predisposition syndrome. Identifiers: Orphanet 284343, MedGen C3839822, MONDO:0100216.
Hereditary cancer-predisposing syndrome. Also called: Hereditary neoplastic syndrome; Tumor predisposition; Neoplastic Syndromes, Hereditary; Hereditary Cancer Syndrome. Identifiers: Orphanet 140162, MedGen C0027672, MeSH D009386, MONDO:0015356.

Submissions (2):

Labcorp Genetics (formerly Invitae), Labcorp
Classification: Uncertain significance for DICER1-related tumor predisposition. Last evaluated: 2026-02-03. Review status: criteria provided, single submitter. Criteria: Invitae Variant Classification Sherloc (09022015). Collection method: clinical testing. Allele origin: germline.
Comment: This sequence change replaces threonine, which is neutral and polar, with alanine, which is neutral and non-polar, at codon 1550 of the DICER1 protein (p.Thr1550Ala). This variant is not present in population databases (gnomAD no frequency). This variant has not been reported in the literature in individuals affected with DICER1-related conditions. ClinVar contains an entry for this variant (Variation ID: 962778). Invitae Evidence Modeling of protein sequence and biophysical properties (such as structural, functional, and spatial information, amino acid conservation, physicochemical variation, residue mobility, and thermodynamic stability) indicates that this missense variant is not expected to disrupt DICER1 protein function with a negative predictive value of 95%. In summary, the available evidence is currently insufficient to determine the role of this variant in disease. Therefore, it has been classified as a Variant of Uncertain Significance.

Ambry Genetics
Classification: Uncertain significance for Hereditary cancer-predisposing syndrome. Last evaluated: 2024-06-22. Review status: criteria provided, single submitter. Criteria: Ambry Variant Classification Scheme 2023. Collection method: clinical testing. Allele origin: germline.
Comment: The p.T1550A variant (also known as c.4648A>G), located in coding exon 22 of the DICER1 gene, results from an A to G substitution at nucleotide position 4648. The threonine at codon 1550 is replaced by alanine, an amino acid with similar properties. This amino acid position is conserved. In addition, this alteration is predicted to be deleterious by in silico analysis. Based on the available evidence, the clinical significance of this variant remains unclear.

NM_177438.3(DICER1):c.4648A>G (p.Thr1550Ala)

Gene: DICER1 (dicer 1, ribonuclease III; minus strand). Cytogenetic location: 14q32.13.
Variant type: single nucleotide variant.
Coding change: c.4648A>G on transcript NM_177438.3 (MANE Select); coding-DNA position 4648, A replaced by G.
Protein change: p.Thr1550Ala; replaces threonine 1550 with alanine.
Molecular consequence: missense variant.
Genome position (GRCh38, 1-based): chr14:95,096,272, T>C on the plus strand (A>G on the coding strand, the complement: DICER1 is on the minus strand). VCF-style: chr14-95096272-T-C. GRCh37 (hg19) VCF-style: chr14-95562609-T-C.
Other names: c.4648A>G, p.Thr1550Ala (NM_001195573.1, NM_001271282.3, NM_001291628.2 and 1 more transcripts); short protein forms T1550A.
Identifiers: ClinVar variation 962778 (VCV000962778.12), dbSNP rs1890325068, ClinGen allele CA390867613.